The following is an entry in ClinVar:

ClinVar aggregate classification (germline): Uncertain significance (1 of 4 stars; one submission).

Conditions:
Focal segmental glomerulosclerosis 8 (FSGS8). Identifiers: Orphanet 656, MedGen C4014993, MONDO:0014462, OMIM 616032.

gnomAD v4.1: 4 of 1,613,526 alleles (0.00025%); highest among the groups gnomAD compares: South Asian, 0.0044%; no homozygotes.

Submission:

Neuberg Centre For Genomic Medicine, NCGM
Classification: Uncertain significance for Focal segmental glomerulosclerosis 8. Last evaluated: 2024-02-01. Review status: criteria provided, single submitter. Criteria: ACMG Guidelines, 2015. Collection method: clinical testing. Allele origin: germline. Inheritance: Autosomal dominant inheritance. Affected: yes.
Comment: The missense variant c.2824G>A (p.Val942Ile) in ANLN gene has not been reported previously as a pathogenic variant nor as a benign variant, to our knowledge. For the above-mentioned reasons, this variant has been classified as Uncertain Significance.

NM_018685.5(ANLN):c.2824G>A (p.Val942Ile)

Gene: ANLN (anillin, actin binding protein; plus strand). Cytogenetic location: 7p14.2.
Variant type: single nucleotide variant.
Coding change: c.2824G>A on transcript NM_018685.5 (MANE Select); coding-DNA position 2824, G replaced by A.
Protein change: p.Val942Ile; replaces valine 942 with isoleucine.
Molecular consequence: missense variant.
Genome position (GRCh38, 1-based): chr7:36,426,969, G>A. VCF-style: chr7-36426969-G-A. GRCh37 (hg19) VCF-style: chr7-36466578-G-A.
Other names: c.2713G>A, p.Val905Ile (NM_001284301.3); c.2710G>A, p.Val904Ile (NM_001284302.3); short protein forms V904I, V905I, V942I.
Identifiers: ClinVar variation 3895503 (VCV003895503.2).
Genomic context (GRCh38, chr7:36,426,969, plus strand): 5'-TTCACAGTCATGGCCAGTCCAGGAGGTCTTAGTGCTGTGCGAACCAGCAACTTCGCCCTT[G>A]TTGGATCTTACACATTATCATTGTCTTCAGTAGGAAATACTAAGTTTGTTCTGGACAAGG-3'
Protein context (NP_061155.2, residues 932-952): SAVRTSNFAL[Val942Ile]GSYTLSLSSV